The following is an entry in ClinVar:

NM_001013838.3(CARMIL2):c.1590C>T (p.Asn530=)

Gene: CARMIL2 (capping protein regulator and myosin 1 linker 2; plus strand). Cytogenetic location: 16q22.1.
Variant type: single nucleotide variant.
Coding change: c.1590C>T on transcript NM_001013838.3 (MANE Select); coding-DNA position 1590, C replaced by T.
Protein change: p.Asn530=; no amino-acid change (asparagine 530 retained).
Molecular consequence: synonymous variant.
Genome position (GRCh38, 1-based): chr16:67,648,973, C>T. VCF-style: chr16-67648973-C-T. GRCh37 (hg19) VCF-style: chr16-67682876-C-T.
Other names: c.1482C>T, p.Asn494= (NM_001317026.3).
Identifiers: ClinVar variation 1938773 (VCV001938773.3), dbSNP rs1567629968, ClinGen allele CA495996792.
Genomic context (GRCh38, chr16:67,648,973, plus strand): 5'-GGTGATACAAGACTTAGTGTGCGACGCAGGCGCTGTGAGCTCCCTGGATCTGGCGGATAA[C>T]GGTGAGGCTGCAGGAGAGCCCATCCTCGCATCATCCACTCGATTCCCAATCCCCACCCTA-3'
Protein context (NP_001013860.1, residues 520-540): GAVSSLDLAD[Asn530=]GFGSDMVTLV

ClinVar aggregate classification (germline): Uncertain significance (1 of 4 stars; one submission).

Allele frequency attached by ClinVar (database versions not stated): TOPMed below 0.00001.
gnomAD v4.1: 1 of 1,608,396 alleles (0.000062%); highest among the groups gnomAD compares: Non-Finnish European, 0.000085%; no homozygotes.

Submission:

Labcorp Genetics (formerly Invitae), Labcorp
Classification: Uncertain significance. Last evaluated: 2022-05-13. Review status: criteria provided, single submitter. Criteria: Invitae Variant Classification Sherloc (09022015). Collection method: clinical testing. Allele origin: germline.
Comment: This sequence change affects codon 530 of the CARMIL2 mRNA. It is a 'silent' change, meaning that it does not change the encoded amino acid sequence of the CARMIL2 protein. It affects a nucleotide within the consensus splice site. This variant is not present in population databases (gnomAD no frequency). This variant has not been reported in the literature in individuals affected with CARMIL2-related conditions. Algorithms developed to predict the effect of sequence changes on RNA splicing suggest that this variant is not likely to affect RNA splicing. In summary, the available evidence is currently insufficient to determine the role of this variant in disease. Therefore, it has been classified as a Variant of Uncertain Significance.